The following is an entry in ClinVar:

NM_139276.3(STAT3):c.1437G>T (p.Trp479Cys)

Gene: STAT3 (signal transducer and activator of transcription 3; minus strand). Cytogenetic location: 17q21.2.
Variant type: single nucleotide variant.
Coding change: c.1437G>T on transcript NM_139276.3 (MANE Select); coding-DNA position 1437, G replaced by T.
Protein change: p.Trp479Cys; replaces tryptophan 479 with cysteine.
Molecular consequence: missense variant.
Genome position (GRCh38, 1-based): chr17:42,324,990, C>A on the plus strand (G>T on the coding strand, the complement: STAT3 is on the minus strand). VCF-style: chr17-42324990-C-A. GRCh37 (hg19) VCF-style: chr17-40477008-C-A.
Other names: c.1437G>T, p.Trp479Cys (NM_001369514.1, NM_001369516.1, NM_001369517.1 and 11 more transcripts); c.1353G>T, p.Trp451Cys (NM_001384984.1); c.1359G>T, p.Trp453Cys (NM_001384985.1); c.1452G>T, p.Trp484Cys (NM_001384986.1, NM_001384990.1); c.1341G>T, p.Trp447Cys (NM_001384989.1); c.1377G>T, p.Trp459Cys (NM_001384992.1); short protein forms W479C, W447C, W451C, W453C, W459C, W484C.
Identifiers: ClinVar variation 658556 (VCV000658556.1), dbSNP rs1598397528, ClinGen allele CA399587130.

ClinVar aggregate classification (germline): Uncertain significance (1 of 4 stars; one submission).

Conditions:
STAT3 gain of function. Identifiers: MedGen C4288261.
Hyper-IgE recurrent infection syndrome 1, autosomal dominant. Also called: JOB SYNDROME; HYPER-IgE SYNDROME 1, AUTOSOMAL DOMINANT, WITH RECURRENT INFECTIONS; STAT3 Hyper IgE Syndrome; Hyper-IgE recurrent infection syndrome 1; Job's Syndrome. Identifiers: Orphanet 2314, MedGen C2936739, MONDO:0007818, OMIM 147060.

Submission:

Labcorp Genetics (formerly Invitae), Labcorp
Classification: Uncertain significance for STAT3 gain of function; Hyper-IgE recurrent infection syndrome 1, autosomal dominant. Last evaluated: 2018-08-23. Review status: criteria provided, single submitter. Criteria: Invitae Variant Classification Sherloc (09022015). Collection method: clinical testing. Allele origin: germline.
Comment: This sequence change replaces tryptophan with cysteine at codon 479 of the STAT3 protein (p.Trp479Cys). The tryptophan residue is highly conserved and there is a large physicochemical difference between tryptophan and cysteine. This variant is not present in population databases (ExAC no frequency). This variant has been observed in individuals affected with autosomal dominant Hyper-IgE syndromeÂ¬â€ (PMID:Â¬â€ 23584561). Algorithms developed to predict the effect of missense changes on protein structure and function are either unavailable or do not agree on the potential impact of this missense change (SIFT: "Deleterious"; PolyPhen-2: "Probably Damaging"; Align-GVGD: "Class C0"). In summary, the available evidence is currently insufficient to determine the role of this variant in disease. Therefore, it has been classified as a Variant of Uncertain Significance.